The following is an entry in ClinVar:

NM_004698.4(PRPF3):c.988C>T (p.His330Tyr)

Gene: PRPF3 (pre-mRNA processing factor 3; plus strand). Cytogenetic location: 1q21.2.
Variant type: single nucleotide variant.
Coding change: c.988C>T on transcript NM_004698.4 (MANE Select); coding-DNA position 988, C replaced by T.
Protein change: p.His330Tyr; replaces histidine 330 with tyrosine.
Molecular consequence: missense variant. On other transcripts: non-coding transcript variant (4).
Genome position (GRCh38, 1-based): chr1:150,335,194, C>T. VCF-style: chr1-150335194-C-T. GRCh37 (hg19) VCF-style: chr1-150307665-C-T.
Other names: c.583C>T, p.His195Tyr (NM_001350529.1); short protein forms H330Y, H195Y.
Identifiers: ClinVar variation 1495515 (VCV001495515.6), dbSNP rs781809037, ClinGen allele CA1075520.

ClinVar aggregate classification (germline): Uncertain significance (1 of 4 stars; one submission).

Allele frequency attached by ClinVar (database versions not stated): gnomAD exomes below 0.00001; TOPMed below 0.00001; gnomAD 0.00001; ExAC 0.00002.

Submission:

Labcorp Genetics (formerly Invitae), Labcorp
Classification: Uncertain significance. Last evaluated: 2021-11-23. Review status: criteria provided, single submitter. Criteria: Invitae Variant Classification Sherloc (09022015). Collection method: clinical testing. Allele origin: germline.
Comment: In summary, the available evidence is currently insufficient to determine the role of this variant in disease. Therefore, it has been classified as a Variant of Uncertain Significance. Algorithms developed to predict the effect of missense changes on protein structure and function are either unavailable or do not agree on the potential impact of this missense change (SIFT: "Tolerated"; PolyPhen-2: "Possibly Damaging"; Align-GVGD: "Class C0"). This variant has not been reported in the literature in individuals affected with PRPF3-related conditions. This variant is present in population databases (rs781809037, gnomAD 0.002%). This sequence change replaces histidine, which is basic and polar, with tyrosine, which is neutral and polar, at codon 330 of the PRPF3 protein (p.His330Tyr).